The following is an entry in ClinVar:

ClinVar aggregate classification (germline): Uncertain significance (1 of 4 stars; one submission).

Conditions:
Hereditary cancer-predisposing syndrome. Also called: Neoplastic Syndromes, Hereditary; Tumor predisposition; Hereditary neoplastic syndrome; Hereditary Cancer Syndrome. Identifiers: Orphanet 140162, MedGen C0027672, MeSH D009386, MONDO:0015356.

Submission:

Ambry Genetics
Classification: Uncertain significance for Hereditary cancer-predisposing syndrome. Last evaluated: 2024-04-11. Review status: criteria provided, single submitter. Criteria: Ambry Variant Classification Scheme 2023. Collection method: clinical testing. Allele origin: germline.
Comment: The p.P230T variant (also known as c.688C>A), located in coding exon 6 of the SMARCB1 gene, results from a C to A substitution at nucleotide position 688. The proline at codon 230 is replaced by threonine, an amino acid with highly similar properties. This amino acid position is highly conserved in available vertebrate species. In addition, the in silico prediction for this alteration is inconclusive. Based on the available evidence, the clinical significance of this variant remains unclear.

NM_003073.5(SMARCB1):c.688C>A (p.Pro230Thr)

Gene: SMARCB1 (SWI/SNF related BAF chromatin remodeling complex subunit B1; plus strand). Cytogenetic location: 22q11.23.
Variant type: single nucleotide variant.
Coding change: c.688C>A on transcript NM_003073.5 (MANE Select); coding-DNA position 688, C replaced by A.
Protein change: p.Pro230Thr; replaces proline 230 with threonine.
Molecular consequence: missense variant.
Genome position (GRCh38, 1-based): chr22:23,816,829, C>A. VCF-style: chr22-23816829-C-A. GRCh37 (hg19) VCF-style: chr22-24159016-C-A.
Other names: c.742C>A, p.Pro248Thr (NM_001362877.2); c.661C>A, p.Pro221Thr (NM_001007468.3); c.715C>A, p.Pro239Thr (NM_001317946.2); short protein forms P239T, P221T, P230T, P248T.
Identifiers: ClinVar variation 3320801 (VCV003320801.1).